The following is an entry in ClinVar:

NM_173076.3(ABCA12):c.4264del (p.Val1422fs)

Gene: ABCA12 (ATP binding cassette subfamily A member 12; minus strand). Cytogenetic location: 2q35.
Variant type: Deletion.
Coding change: c.4264del on transcript NM_173076.3 (MANE Select); coding-DNA position 4264, one base deleted (G; older notation c.4264delG).
Protein change: p.Val1422fs; shifts the reading frame from valine 1422.
Molecular consequence: frameshift variant. On other transcripts: non-coding transcript variant (1).
Genome position (GRCh38, 1-based): chr2:214,983,765, C deleted on the plus strand (G on the coding strand, the reverse complement: ABCA12 is on the minus strand). VCF-style (leftmost placement, unchanged base first): chr2-214983764-AC-A. GRCh37 (hg19) VCF-style: chr2-215848488-AC-A.
Other names: c.3310del, p.Val1104fs (NM_015657.4); short protein forms V1104fs, V1422fs.
Identifiers: ClinVar variation 4851873 (VCV004851873.1).

ClinVar aggregate classification (germline): Likely pathogenic (1 of 4 stars; one submission).

Submission:

Dasa
Classification: Likely pathogenic. Last evaluated: 2025-04-28. Review status: criteria provided, single submitter. Criteria: DASA Assertion Criteria. Collection method: clinical testing. Allele origin: germline.
Comment: NM_173076.3(ABCA12):c.4264del (p.Val1422Serfs*38) introduces a premature termination codon predicted to result in loss of normal protein function. Loss-of-function is an established mechanism of disease for this gene. The variant is present at low frequency in population datasets. Based on the available data, this variant is classified as likely pathogenic.